The following is an entry in ClinVar:

ClinVar aggregate classification (germline): Pathogenic/Likely pathogenic. Review status: criteria provided, multiple submitters, no conflicts (2 of 4 stars). 4 submissions from 4 submitters: Pathogenic (2); Likely pathogenic (1). 1 of the submissions does not count toward it. Last evaluated 2026-01-21.

Conditions:
Congenital generalized lipodystrophy type 1 (CGL1). Also called: Berardinelli-Seip Congenital Lipodystrophy Type 1; BRUNZELL SYNDROME, AGPAT2-RELATED. Identifiers: Orphanet 528, Orphanet 696189, MedGen C1720862, MONDO:0012071, OMIM 608594.

Allele frequency attached by ClinVar (database versions not stated): gnomAD exomes 0.00002; gnomAD 0.00003; TOPMed 0.00005.

Submissions (4):

3billion
Classification: Pathogenic for Congenital generalized lipodystrophy type 1. Last evaluated: 2026-01-21. Review status: criteria provided, single submitter. Criteria: ACMG Guidelines, 2015. Collection method: clinical testing. Allele origin: germline. Affected: yes.
Comment: The variant is observed at an extremely low frequency in the gnomAD v4.1.0 dataset (total allele frequency: 0.002%). Predicted Consequence/Location: Canonical splice site: predicted to alter splicing and result in a loss or disruption of normal protein function. Multiple pathogenic loss-of-function variants are reported downstream of the variant. In silico tools predict the variant to alter splicing and produce an abnormal transcript [SpliceAI: 1.00 (spliceogenicity >=0.2, non-spliceogenicity <0.1)]. The variant has been reported at least twice as pathogenic without evidence for the classification (ClinVar ID: VCV000372106 /PMID: 14557463). Therefore, this variant is classified as Pathogenic according to the recommendation of ACMG/AMP guideline.

GeneDx
Classification: Likely pathogenic. Last evaluated: 2025-09-30. Review status: criteria provided, single submitter. Criteria: GeneDx Variant Classification Process June 2021. Collection method: clinical testing. Allele origin: germline. Affected: yes.
Comment: Canonical splice site variant predicted to result in a null allele in a gene for which loss of function is a known mechanism of disease; This variant is associated with the following publications: (PMID: 25525159, 20301391, 32041611, 14557463)

Neuberg Centre For Genomic Medicine, NCGM
Classification: Pathogenic for Congenital generalized lipodystrophy type 1. Review status: criteria provided, single submitter. Criteria: ACMG Guidelines, 2015. Collection method: clinical testing. Allele origin: germline. Inheritance: Autosomal recessive inheritance. Affected: yes.
Comment: The variant is reported with the allele frequency of 0.001615% in gnomAD and is novel (not in any individuals) in 1000 Genomes. This variant has been reported to the ClinVar as Pathogenic. The variant affects an invariant splice nucleotide and is expected to cause loss of function. Downstream loss of function variants have been reported to be disease causing. The nucleotide change in AGPAT2 is predicted as conserved by GERP++ and PhyloP across 100 vertebrates. For these reasons, this variant has been classified as Pathogenic.

GeneReviews
No classification provided. Condition: Congenital generalized lipodystrophy type 1. Review status: no classification provided. Collection method: literature only. Allele origin: germline. Affected: yes. Not counted in ClinVar's aggregate classification.

Literature cited by the submitters: PubMed 14557463 (cited by 3billion); NCBI Bookshelf NBK1212 (cited by GeneReviews).

NM_006412.4(AGPAT2):c.492+1G>A

Gene: AGPAT2 (1-acylglycerol-3-phosphate O-acyltransferase 2; minus strand). Cytogenetic location: 9q34.3.
Variant type: single nucleotide variant.
Coding change: c.492+1G>A on transcript NM_006412.4 (MANE Select); the canonical splice donor site of the intron after coding-DNA position 492, G replaced by A.
Molecular consequence: splice donor variant.
Genome position (GRCh38, 1-based): chr9:136,676,960, C>T on the plus strand (G>A on the coding strand, the complement: AGPAT2 is on the minus strand). VCF-style: chr9-136676960-C-T. GRCh37 (hg19) VCF-style: chr9-139571412-C-T.
Other names: c.492+1G>A (NM_001012727.2).
Identifiers: ClinVar variation 372106 (VCV000372106.7), dbSNP rs933422777, ClinGen allele CA16042196.